The following is an entry in ClinVar:

NM_000208.4(INSR):c.2185A>G (p.Arg729Gly)

Gene: INSR (insulin receptor; minus strand). Cytogenetic location: 19p13.2.
Variant type: single nucleotide variant.
Coding change: c.2185A>G on transcript NM_000208.4 (MANE Select); coding-DNA position 2185, A replaced by G.
Protein change: p.Arg729Gly; replaces arginine 729 with glycine.
Molecular consequence: missense variant.
Genome position (GRCh38, 1-based): chr19:7,152,772, T>C on the plus strand (A>G on the coding strand, the complement: INSR is on the minus strand). VCF-style: chr19-7152772-T-C. GRCh37 (hg19) VCF-style: chr19-7152783-T-C.
Other names: c.2185A>G, p.Arg729Gly (NM_001079817.3); short protein forms R729G.
Identifiers: ClinVar variation 1690846 (VCV001690846.2), dbSNP rs2144890944, ClinGen allele CA403664401.
Genomic context (GRCh38, chr19:7,152,772, plus strand): 5'-CGCCAAGTCCTGACCTGGGGACGAAAACCACGTTGTGCAGGTAATCCTCAAACGTCTTCC[T>C]AAACGAGGACTCCTCCAGCTCCTTCAGGATCTGAGAGTCTGTCTTTGGACAGGAGCAGCA-3'
Protein context (NP_000199.2, residues 719-739): ILKELEESSF[Arg729Gly]KTFEDYLHNV

ClinVar aggregate classification (germline): Uncertain significance (1 of 4 stars; one submission).

Submission:

Laboratorio de Genetica e Diagnostico Molecular, Hospital Israelita Albert Einstein
Classification: Uncertain significance. Last evaluated: 2019-05-03. Review status: criteria provided, single submitter. Criteria: ACMG Guidelines, 2015. Collection method: clinical testing. Allele origin: germline. Affected: yes.
Comment: ACMG classification criteria: PM2